The following is an entry in ClinVar:

NM_000018.4(ACADVL):c.1146G>A (p.Lys382=)

Gene: ACADVL (acyl-CoA dehydrogenase very long chain; plus strand). Cytogenetic location: 17p13.1.
Variant type: single nucleotide variant.
Coding change: c.1146G>A on transcript NM_000018.4 (MANE Select); coding-DNA position 1146, G replaced by A.
Protein change: p.Lys382=; no amino-acid change (lysine 382 retained).
Molecular consequence: synonymous variant.
Genome position (GRCh38, 1-based): chr17:7,223,201, G>A. VCF-style: chr17-7223201-G-A. GRCh37 (hg19) VCF-style: chr17-7126520-G-A.
Other names: c.1080G>A, p.Lys360= (NM_001033859.3); c.1215G>A, p.Lys405= (NM_001270447.2); c.918G>A, p.Lys306= (NM_001270448.2).
Identifiers: ClinVar variation 1101241 (VCV001101241.10), dbSNP rs1057523504, ClinGen allele CA497620876.

ClinVar aggregate classification (germline): Conflicting classifications of pathogenicity. Review status: criteria provided, conflicting classifications (1 of 4 stars). 2 submissions from 2 submitters: Uncertain significance (1); Likely benign (1). Last evaluated 2026-09-01.

Conditions:
Very long chain acyl-CoA dehydrogenase deficiency (ACADVLD). Also called: Very Long-Chain Acyl-Coenzyme A Dehydrogenase Deficiency; VLCAD Deficiency. Identifiers: Orphanet 26793, MedGen C3887523, MONDO:0008723, OMIM 201475.

gnomAD v4.1: 2 of 1,614,134 alleles (0.00012%); highest among the groups gnomAD compares: Non-Finnish European, 0.00017%; no homozygotes.

Submissions (2):

CeGaT Center for Human Genetics Tuebingen
Classification: Uncertain significance. Last evaluated: 2026-09-01. Review status: criteria provided, single submitter. Criteria: CeGaT Center For Human Genetics Tuebingen Variant Classification Criteria Version 2. Collection method: clinical testing. Allele origin: germline. Affected: yes. Observed: 1 variant allele.
Comment: ACADVL: PM2, BP4

Labcorp Genetics (formerly Invitae), Labcorp
Classification: Likely benign for Very long chain acyl-CoA dehydrogenase deficiency. Last evaluated: 2020-10-02. Review status: criteria provided, single submitter. Criteria: Invitae Variant Classification Sherloc (09022015). Collection method: clinical testing. Allele origin: germline.